The following is an entry in ClinVar:

ClinVar aggregate classification (germline): Conflicting classifications of pathogenicity. Review status: criteria provided, conflicting classifications (1 of 4 stars). 13 submissions from 13 submitters: Uncertain significance (9); Benign (1); Likely benign (3). Last evaluated 2026-02-01.

Conditions:
Inborn genetic diseases. Identifiers: MedGen C0950123, MeSH D030342.
Cerebroretinal microangiopathy with calcifications and cysts 1 (CRMCC1). Identifiers: Orphanet 313838, MedGen C4552029, MONDO:0024564, OMIM 612199.
CTC1-related disorder. Also called: CTC1-related condition.
Dyskeratosis congenita. Identifiers: Orphanet 1775, MedGen C0265965, MONDO:0015780.

Allele frequency attached by ClinVar (database versions not stated): gnomAD exomes 0.00015 and 0.00031; ExAC 0.00040; 1000 Genomes Project 0.00100; 1000 Genomes Project 30x 0.00109; gnomAD 0.00109 and 0.00118; ESP Exome Variant Server 0.00119; TOPMed 0.00132.
gnomAD v4.1: 388 of 1,613,992 alleles (0.024%); highest among the groups gnomAD compares: African/African-American, 0.4%; 2 homozygotes.

Submissions (13):

Labcorp Genetics (formerly Invitae), Labcorp
Classification: Likely benign for Dyskeratosis congenita. Last evaluated: 2026-02-01. Review status: criteria provided, single submitter. Criteria: Invitae Variant Classification Sherloc (09022015). Collection method: clinical testing. Allele origin: germline.

PreventionGenetics, part of Exact Sciences
Classification: Likely benign for CTC1-related condition. Last evaluated: 2025-08-11. Review status: criteria provided, single submitter. Criteria: ACMG Guidelines, 2015. Collection method: clinical testing. Allele origin: germline.
Comment: This variant is classified as likely benign based on ACMG/AMP sequence variant interpretation guidelines (Richards et al. 2015 PMID: 25741868, with internal and published modifications).

Women's Health and Genetics/Laboratory Corporation of America, LabCorp
Classification: Benign. Last evaluated: 2025-06-17. Review status: criteria provided, single submitter. Criteria: LabCorp Variant Classification Summary - May 2015. Collection method: clinical testing. Allele origin: germline.
Comment: Variant summary: CTC1 c.3604C>T (p.Arg1202X) results in a premature termination codon, predicted to cause a truncation of the encoded protein, however no downtream pathogenic variants have been reported. The variant allele was found at a frequency of 0.00031 in 249476 control chromosomes. It was observed at a frequency of 0.0037 in the African subpopulation, which is approximately 3-fold of the estimated maximal expected allele frequency for a pathogenic variant in CTC1 (0.0011), strongly suggesting that the variant is benign in the African population. c.3604C>T has been reported in the literature in individuals with aplastic anemia and telomere biology disorder, without strong evidence for causality (Shen_2019 and Molteni_2023). No experimental evidence demonstrating its impact on protein function. The following publications have been ascertained in the context of this evaluation (PMID: 37216690, 30891747). ClinVar has one entry of this variant (ClinVar ID: 596465). Based on the evidence outlined above, the variant was classified as benign.

Blueprint Genetics
Classification: Uncertain significance. Last evaluated: 2024-03-19. Review status: criteria provided, single submitter. Criteria: ACMG Guidelines, 2015. Collection method: clinical testing. Allele origin: germline.

Fulgent Genetics
Classification: Uncertain significance for Cerebroretinal microangiopathy with calcifications and cysts 1. Last evaluated: 2024-03-12. Review status: criteria provided, single submitter. Criteria: ACMG Guidelines, 2015. Collection method: clinical testing. Allele origin: germline.

Daryl Scott Lab, Baylor College of Medicine
Classification: Uncertain significance for Cerebroretinal microangiopathy with calcifications and cysts 1. Last evaluated: 2024-01-01. Review status: criteria provided, single submitter. Criteria: ACMG Guidelines, 2015. Collection method: clinical testing. Allele origin: maternal. Observed: 1 heterozygote.
Comment: BP4, PP3

GeneDx
Classification: Uncertain significance. Last evaluated: 2023-07-20. Review status: criteria provided, single submitter. Criteria: GeneDx Variant Classification Process June 2021. Collection method: clinical testing. Allele origin: germline. Affected: yes.
Comment: Nonsense variant predicted to result in protein truncation as the last 16 amino acids are lost, although loss-of-function variants have not been reported downstream of this position in the protein; Observed in the germline of an individual with aplastic anemia and absent in 366 patients with myeloid disease (Shen et al., 2019); This variant is associated with the following publications: (PMID: 34426522, 30891747)

Center for Genomics, Ann and Robert H. Lurie Children's Hospital of Chicago
Classification: Uncertain significance for Cerebroretinal microangiopathy with calcifications and cysts 1. Last evaluated: 2021-09-16. Review status: criteria provided, single submitter. Criteria: ACMG Guidelines, 2015. Collection method: clinical testing. Allele origin: germline.
Comment: CTC1 NM_025099.5 exon 23 p.Arg1202* (c.3604C>T): This variant has been reported in the literature in 1 individual with aplastic anemia in the heterozygous state (Shen 2019 PMID:30891747). This variant is present in 0.4% of African American alleles and in 1 homozygote in the Genome Aggregation Database. This variant is present in ClinVar (Variation ID:596465). Evolutionary conservation and computational predictive tools for this variant are limited or unavailable. This variant creates a premature stop at this codon. However, this variant occurs within the last exon of this gene; due to its position, it is possible that this protein may escape nonsense-mediated decay. Further studies are needed to understand its impact. In summary, data on this variant is insufficient for disease classification. Therefore, the clinical significance of this variant is uncertain.

Genome-Nilou Lab
Classification: Uncertain significance for Cerebroretinal microangiopathy with calcifications and cysts 1. Last evaluated: 2021-07-15. Review status: criteria provided, single submitter. Criteria: ACMG Guidelines, 2015. Collection method: clinical testing. Allele origin: germline. Affected: no.

Ambry Genetics
Classification: Likely benign for Inborn genetic diseases. Last evaluated: 2021-05-24. Review status: criteria provided, single submitter. Criteria: Ambry Variant Classification Scheme 2023. Collection method: clinical testing. Allele origin: germline.

Genetic Services Laboratory, University of Chicago
Classification: Uncertain significance. Last evaluated: 2020-07-27. Review status: criteria provided, single submitter. Criteria: ACMG Guidelines, 2015. Collection method: clinical testing. Allele origin: germline. Affected: no.
Comment: DNA sequence analysis of the CTC1 gene demonstrated a sequence change in the last exon, c.3604C>T, which results in the creation of a premature stop codon at amino acid position 1202, p.Arg1202*. This sequence change is predicted to escape nonsense mediated decay and result in the production of a truncated CTC1 protein. This sequence change has previously been described in a patient with moderate aplastic anemia in the heterozygous state (PMID: 30891747), however this sequence change has also been described in the gnomAD database with a relatively high population frequency of 0.38% in the African subpopulation (rs147714487). Due to the lack of additional studies that conclusively demonstrate the effect of this variant on protein function, the presence of this variant in a relatively high proportion of individuals in control populations, and its presence in the last exon of the gene with no other truncating variants described downstream of this variant to date, the clinical significance of the p.Arg1202* change remains unknown at this time.

Baylor Genetics
Classification: Uncertain significance for Cerebroretinal microangiopathy with calcifications and cysts 1. Last evaluated: 2019-02-11. Review status: criteria provided, single submitter. Criteria: ACMG Guidelines, 2015. Collection method: clinical testing. Allele origin: maternal. Affected: yes.
Comment: This variant was determined to be of uncertain significance according to ACMG Guidelines, 2015 [PMID:25741868].

Eurofins Ntd Llc (ga)
Classification: Uncertain significance. Last evaluated: 2018-03-07. Review status: criteria provided, single submitter. Criteria: EGL ClinVar v180209 classification definitions. Collection method: clinical testing. Allele origin: germline. Observed: 1 variant allele, 1 heterozygote.

Literature cited by the submitters: PubMed 30891747 (cited by Women's Health and Genetics/Laboratory Corporation of America, LabCorp); PubMed 37216690 (cited by Women's Health and Genetics/Laboratory Corporation of America, LabCorp).

NM_025099.6(CTC1):c.3604C>T (p.Arg1202Ter)

Gene: CTC1 (CST telomere replication complex component 1; minus strand). Cytogenetic location: 17p13.1.
Variant type: single nucleotide variant.
Coding change: c.3604C>T on transcript NM_025099.6 (MANE Select); coding-DNA position 3604, C replaced by T.
Protein change: p.Arg1202Ter; replaces arginine 1202 with a stop codon.
Molecular consequence: nonsense. On other transcripts: non-coding transcript variant (1).
Genome position (GRCh38, 1-based): chr17:8,228,230, G>A on the plus strand (C>T on the coding strand, the complement: CTC1 is on the minus strand). VCF-style: chr17-8228230-G-A. GRCh37 (hg19) VCF-style: chr17-8131548-G-A.
Other names: short protein forms R1202*.
Identifiers: ClinVar variation 596465 (VCV000596465.30), dbSNP rs147714487, ClinGen allele CA8371699.